The following is an entry in ClinVar:

ClinVar aggregate classification (germline): Uncertain significance (1 of 4 stars; one submission).

gnomAD v4.1: 2 of 1,613,990 alleles (0.00012%); highest among the groups gnomAD compares: Non-Finnish European, 0.00017%; no homozygotes.

Submission:

Labcorp Genetics (formerly Invitae), Labcorp
Classification: Uncertain significance. Last evaluated: 2024-07-24. Review status: criteria provided, single submitter. Criteria: Invitae Variant Classification Sherloc (09022015). Collection method: clinical testing. Allele origin: germline.
Comment: This sequence change replaces proline, which is neutral and non-polar, with serine, which is neutral and polar, at codon 667 of the ADGRE2 protein (p.Pro667Ser). This variant is not present in population databases (gnomAD no frequency). This variant has not been reported in the literature in individuals affected with ADGRE2-related conditions. An algorithm developed to predict the effect of missense changes on protein structure and function (PolyPhen-2) suggests that this variant is likely to be disruptive. In summary, the available evidence is currently insufficient to determine the role of this variant in disease. Therefore, it has been classified as a Variant of Uncertain Significance.

NM_013447.4(ADGRE2):c.1999C>T (p.Pro667Ser)

Gene: ADGRE2 (adhesion G protein-coupled receptor E2; minus strand). Cytogenetic location: 19p13.12.
Variant type: single nucleotide variant.
Coding change: c.1999C>T on transcript NM_013447.4 (MANE Select); coding-DNA position 1999, C replaced by T.
Protein change: p.Pro667Ser; replaces proline 667 with serine.
Molecular consequence: missense variant.
Genome position (GRCh38, 1-based): chr19:14,751,461, G>A on the plus strand (C>T on the coding strand, the complement: ADGRE2 is on the minus strand). VCF-style: chr19-14751461-G-A. GRCh37 (hg19) VCF-style: chr19-14862273-G-A.
Other names: c.1825C>T, p.Pro609Ser (NM_001271052.1); c.1852C>T, p.Pro618Ser (NM_152916.2); c.1720C>T, p.Pro574Ser (NM_152917.2); short protein forms P574S, P609S, P618S, P667S.
Identifiers: ClinVar variation 3606141 (VCV003606141.2).